The following is an entry in ClinVar:

NM_201384.3(PLEC):c.10333A>G (p.Ile3445Val)

Gene: PLEC (plectin; minus strand). Cytogenetic location: 8q24.3.
Variant type: single nucleotide variant.
Coding change: c.10333A>G on transcript NM_201384.3 (MANE Select); coding-DNA position 10333, A replaced by G.
Protein change: p.Ile3445Val; replaces isoleucine 3445 with valine.
Molecular consequence: missense variant.
Genome position (GRCh38, 1-based): chr8:143,919,488, T>C on the plus strand (A>G on the coding strand, the complement: PLEC is on the minus strand). VCF-style: chr8-143919488-T-C. GRCh37 (hg19) VCF-style: chr8-144993656-T-C.
Other names: c.10291A>G, p.Ile3431Val (NM_201378.4); c.10267A>G, p.Ile3423Val (NM_201379.3); c.10744A>G, p.Ile3582Val (NM_201380.4); c.10237A>G, p.Ile3413Val (NM_201381.3); c.10333A>G, p.Ile3445Val (NM_201382.4); c.10345A>G, p.Ile3449Val (NM_201383.3); c.10414A>G, p.Ile3472Val (NM_000445.5); c.7033A>G, p.Ile2345Val (NM_001410941.1); short protein forms I3449V, I3472V, I3423V, I3445V, I3582V, I2345V, I3413V, I3431V.
Identifiers: ClinVar variation 2923918 (VCV002923918.3), dbSNP rs1302689105, ClinGen allele CA372500167.

ClinVar aggregate classification (germline): Uncertain significance (1 of 4 stars; one submission).

Conditions:
Epidermolysis bullosa simplex with nail dystrophy (EBS5D). Identifiers: MedGen C4225309, MONDO:0014661, OMIM 616487.
Epidermolysis bullosa simplex, Ogna type (EBS5A). Also called: EPIDERMOLYSIS BULLOSA SIMPLEX 5A, OGNA TYPE; Pidermolysis bullosa simplex 5A, Ogna type. Identifiers: Orphanet 79401, MedGen C0432317, MONDO:0007555, OMIM 131950.
Epidermolysis bullosa simplex 5C, with pyloric atresia (EBS5C). Also called: PLEC1-Related Epidermolysis Bullosa with Pyloric Atresia; PLEC-Related Epidermolysis Bullosa with Pyloric Atresia; Epidermolysis bullosa simplex with pyloric atresia. Identifiers: Orphanet 158684, MedGen C2677349, MONDO:0012807, OMIM 612138.
Autosomal recessive limb-girdle muscular dystrophy type 2Q (LGMDR17). Also called: MUSCULAR DYSTROPHY, LIMB-GIRDLE, AUTOSOMAL RECESSIVE 17. Identifiers: Orphanet 254361, MedGen C3150989, MONDO:0013390, OMIM 613723.
Epidermolysis bullosa simplex 5B, with muscular dystrophy (EBS5B). Also called: EPIDERMOLYSIS BULLOSA SIMPLEX AND LIMB-GIRDLE MUSCULAR DYSTROPHY; Epidermolysis bullosa simplex with muscular dystrophy. Identifiers: Orphanet 257, MedGen C2931072, MONDO:0009181, OMIM 226670.

Allele frequency attached by ClinVar (database versions not stated): gnomAD 0.00002; TOPMed 0.00002.
gnomAD v4.1: 14 of 1,613,054 alleles (0.00087%); highest among the groups gnomAD compares: Non-Finnish European, 0.00085%; no homozygotes.

Submission:

Labcorp Genetics (formerly Invitae), Labcorp
Classification: Uncertain significance for Autosomal recessive limb-girdle muscular dystrophy type 2Q; Epidermolysis bullosa simplex, Ogna type; Epidermolysis bullosa simplex with nail dystrophy; Epidermolysis bullosa simplex 5C, with pyloric atresia; Epidermolysis bullosa simplex 5B, with muscular dystrophy. Last evaluated: 2025-08-20. Review status: criteria provided, single submitter. Criteria: Invitae Variant Classification Sherloc (09022015). Collection method: clinical testing. Allele origin: germline.
Comment: This sequence change replaces isoleucine, which is neutral and non-polar, with valine, which is neutral and non-polar, at codon 3472 of the PLEC protein (p.Ile3472Val). This variant is present in population databases (no rsID available, gnomAD 0.002%). This variant has not been reported in the literature in individuals affected with PLEC-related conditions. ClinVar contains an entry for this variant (Variation ID: 2923918). An algorithm developed to predict the effect of missense changes on protein structure and function (PolyPhen-2) suggests that this variant is likely to be tolerated. In summary, the available evidence is currently insufficient to determine the role of this variant in disease. Therefore, it has been classified as a Variant of Uncertain Significance.